The following is an entry in ClinVar:

NM_004370.6(COL12A1):c.7489A>G (p.Ile2497Val)

Gene: COL12A1 (collagen type XII alpha 1 chain; minus strand). Cytogenetic location: 6q13.
Variant type: single nucleotide variant.
Coding change: c.7489A>G on transcript NM_004370.6 (MANE Select); coding-DNA position 7489, A replaced by G.
Protein change: p.Ile2497Val; replaces isoleucine 2497 with valine.
Molecular consequence: missense variant.
Genome position (GRCh38, 1-based): chr6:75,117,412, T>C on the plus strand (A>G on the coding strand, the complement: COL12A1 is on the minus strand). VCF-style: chr6-75117412-T-C. GRCh37 (hg19) VCF-style: chr6-75827128-T-C.
Other names: c.7489A>G, p.Ile2497Val (NM_001424113.1); c.7468A>G, p.Ile2490Val (NM_001424114.1); c.7216A>G, p.Ile2406Val (NM_001424115.1); c.3997A>G, p.Ile1333Val (NM_001424116.1, NM_080645.3); short protein forms I1333V, I2497V, I2406V, I2490V.
Identifiers: ClinVar variation 2927997 (VCV002927997.3), dbSNP rs1427810892, ClinGen allele CA364746341.

ClinVar aggregate classification (germline): Uncertain significance (1 of 4 stars; one submission).

Conditions:
Ullrich congenital muscular dystrophy 2 (UCMD2). Identifiers: Orphanet 75840, MedGen C4225314, MONDO:0014654, OMIM 616470.
Bethlem myopathy 2 (BTHLM2). Identifiers: Orphanet 536516, Orphanet 610, MedGen C4225313, MONDO:0034022, OMIM 616471.

gnomAD v4.1: 1 of 1,613,628 alleles (0.000062%); highest among the groups gnomAD compares: South Asian, 0.0011%; no homozygotes.

Submission:

Labcorp Genetics (formerly Invitae), Labcorp
Classification: Uncertain significance for Bethlem myopathy 2; Ullrich congenital muscular dystrophy 2. Last evaluated: 2025-08-20. Review status: criteria provided, single submitter. Criteria: Invitae Variant Classification Sherloc (09022015). Collection method: clinical testing. Allele origin: germline.
Comment: This sequence change replaces isoleucine, which is neutral and non-polar, with valine, which is neutral and non-polar, at codon 2497 of the COL12A1 protein (p.Ile2497Val). This variant is present in population databases (no rsID available, gnomAD 0.003%). This variant has not been reported in the literature in individuals affected with COL12A1-related conditions. ClinVar contains an entry for this variant (Variation ID: 2927997). Invitae Evidence Modeling of protein sequence and biophysical properties (such as structural, functional, and spatial information, amino acid conservation, physicochemical variation, residue mobility, and thermodynamic stability) indicates that this missense variant is not expected to disrupt COL12A1 protein function with a negative predictive value of 80%. In summary, the available evidence is currently insufficient to determine the role of this variant in disease. Therefore, it has been classified as a Variant of Uncertain Significance.